The following is an entry in ClinVar:

NM_152703.5(SAMD9L):c.3645C>T (p.Pro1215=)

Gene: SAMD9L (sterile alpha motif domain containing 9 like; minus strand). Cytogenetic location: 7q21.2.
Variant type: single nucleotide variant.
Coding change: c.3645C>T on transcript NM_152703.5 (MANE Select); coding-DNA position 3645, C replaced by T.
Protein change: p.Pro1215=; no amino-acid change (proline 1215 retained).
Molecular consequence: synonymous variant.
Genome position (GRCh38, 1-based): chr7:93,132,327, G>A on the plus strand (C>T on the coding strand, the complement: SAMD9L is on the minus strand). VCF-style: chr7-93132327-G-A. GRCh37 (hg19) VCF-style: chr7-92761640-G-A.
Other names: c.3645C>T (NM_152703.2); c.3645C>T, p.Pro1215= (NM_001303496.3, NM_001303497.3, NM_001303498.3 and 5 more transcripts).
Identifiers: ClinVar variation 3058241 (VCV003058241.4), dbSNP rs1377068598, ClinGen allele CA456627852.

ClinVar aggregate classification (germline): Likely benign. Review status: criteria provided, multiple submitters, no conflicts (2 of 4 stars). 3 submissions from 3 submitters: Likely benign (2). 1 of the submissions does not count toward it. Last evaluated 2025-01-05.

Conditions:
SAMD9L-related disorder. Also called: SAMD9L-related disorders; SAMD9L-related condition.
Inborn genetic diseases. Identifiers: MedGen C0950123, MeSH D030342.

Allele frequency attached by ClinVar (database versions not stated): gnomAD exomes below 0.00001.

Submissions (3):

Ambry Genetics
Classification: Likely benign for Inborn genetic diseases. Last evaluated: 2025-01-05. Review status: criteria provided, single submitter. Criteria: Ambry Variant Classification Scheme 2023. Collection method: clinical testing. Allele origin: germline.

Blueprint Genetics
Classification: Likely benign. Last evaluated: 2023-08-29. Review status: criteria provided, single submitter. Criteria: ACMG Guidelines, 2015. Collection method: clinical testing. Allele origin: germline.

PreventionGenetics, part of Exact Sciences
Classification: Likely benign for SAMD9L-related condition. Last evaluated: 2022-06-03. Review status: no assertion criteria provided. Collection method: clinical testing. Allele origin: germline. Not counted in ClinVar's aggregate classification.
Comment: This variant is classified as likely benign based on ACMG/AMP sequence variant interpretation guidelines (Richards et al. 2015 PMID: 25741868, with internal and published modifications).